The following is an entry in ClinVar:

ClinVar aggregate classification (germline): Uncertain significance (1 of 4 stars; one submission).

Conditions:
Inborn genetic diseases. Identifiers: MedGen C0950123, MeSH D030342.

gnomAD v4.1: 3 of 1,613,142 alleles (0.00019%); highest among the groups gnomAD compares: African/African-American, 0.004%; no homozygotes.

Submission:

Ambry Genetics
Classification: Uncertain significance for Inborn genetic diseases. Last evaluated: 2025-07-07. Review status: criteria provided, single submitter. Criteria: Ambry Variant Classification Scheme 2023. Collection method: clinical testing. Allele origin: germline.
Comment: The p.S1436T variant (also known as c.4306T>A), located in coding exon 30 of the ANKRD26 gene, results from a T to A substitution at nucleotide position 4306. The serine at codon 1436 is replaced by threonine, an amino acid with similar properties. This amino acid position is conserved. In addition, this alteration is predicted to be tolerated by in silico analysis. Based on the available evidence, the clinical significance of this variant remains unclear.

NM_014915.3(ANKRD26):c.4306T>A (p.Ser1436Thr)

Gene: ANKRD26 (ankyrin repeat domain containing 26; minus strand). Cytogenetic location: 10p12.1.
Variant type: single nucleotide variant.
Coding change: c.4306T>A on transcript NM_014915.3 (MANE Select); coding-DNA position 4306, T replaced by A.
Protein change: p.Ser1436Thr; replaces serine 1436 with threonine.
Molecular consequence: missense variant.
Genome position (GRCh38, 1-based): chr10:27,017,702, A>T on the plus strand (T>A on the coding strand, the complement: ANKRD26 is on the minus strand). VCF-style: chr10-27017702-A-T. GRCh37 (hg19) VCF-style: chr10-27306631-A-T.
Other names: c.4303T>A, p.Ser1435Thr (NM_001256053.2); short protein forms S1435T, S1436T.
Identifiers: ClinVar variation 4103326 (VCV004103326.1).